The following is an entry in ClinVar:

ClinVar aggregate classification (germline): Uncertain significance (1 of 4 stars; one submission).

Conditions:
Early-infantile DEE. Also called: Ohtahara syndrome; Early infantile epileptic encephalopathy with suppression bursts; Early infantile epileptic encephalopathy. Identifiers: Orphanet 1934, MedGen C0393706, MONDO:0800491.

Submission:

Labcorp Genetics (formerly Invitae), Labcorp
Classification: Uncertain significance for Early-infantile DEE. Last evaluated: 2024-09-18. Review status: criteria provided, single submitter. Criteria: Invitae Variant Classification Sherloc (09022015). Collection method: clinical testing. Allele origin: germline.
Comment: This sequence change replaces alanine, which is neutral and non-polar, with threonine, which is neutral and polar, at codon 1021 of the SCN8A protein (p.Ala1021Thr). This variant is not present in population databases (gnomAD no frequency). This variant has not been reported in the literature in individuals affected with SCN8A-related conditions. Invitae Evidence Modeling of protein sequence and biophysical properties (such as structural, functional, and spatial information, amino acid conservation, physicochemical variation, residue mobility, and thermodynamic stability) indicates that this missense variant is not expected to disrupt SCN8A protein function with a negative predictive value of 95%. In summary, the available evidence is currently insufficient to determine the role of this variant in disease. Therefore, it has been classified as a Variant of Uncertain Significance.

NM_001330260.2(SCN8A):c.3061G>A (p.Ala1021Thr)

Gene: SCN8A (sodium voltage-gated channel alpha subunit 8; plus strand). Cytogenetic location: 12q13.13.
Variant type: single nucleotide variant.
Coding change: c.3061G>A on transcript NM_001330260.2 (MANE Select); coding-DNA position 3061, G replaced by A.
Protein change: p.Ala1021Thr; replaces alanine 1021 with threonine.
Molecular consequence: missense variant.
Genome position (GRCh38, 1-based): chr12:51,769,024, G>A. VCF-style: chr12-51769024-G-A. GRCh37 (hg19) VCF-style: chr12-52162808-G-A.
Other names: c.3061G>A, p.Ala1021Thr (NM_001177984.3, NM_001369788.1, NM_014191.4); short protein forms A1021T.
Identifiers: ClinVar variation 3669659 (VCV003669659.2).
Genomic context (GRCh38, chr12:51,769,024, plus strand): 5'-GTGATCCGTATCAAGAAGGGTGTGGCCTGGACCAAACTAAAGGTGCACGCCTTCATGCAG[G>A]CCCACTTTAAGCAGCGTGAGGCTGATGAGGTGAAGCCTCTGGATGAGTTGTATGAAAAGA-3'
Protein context (NP_001317189.1, residues 1011-1031): TKLKVHAFMQ[Ala1021Thr]HFKQREADEV